The following is an entry in ClinVar:

ClinVar aggregate classification (germline): Uncertain significance (1 of 4 stars; one submission).

Submission:

Labcorp Genetics (formerly Invitae), Labcorp
Classification: Uncertain significance. Last evaluated: 2024-06-12. Review status: criteria provided, single submitter. Criteria: Invitae Variant Classification Sherloc (09022015). Collection method: clinical testing. Allele origin: germline.
Comment: This sequence change replaces aspartic acid, which is acidic and polar, with glycine, which is neutral and non-polar, at codon 203 of the NTHL1 protein (p.Asp203Gly). This variant is not present in population databases (gnomAD no frequency). This variant has not been reported in the literature in individuals affected with NTHL1-related conditions. An algorithm developed to predict the effect of missense changes on protein structure and function (PolyPhen-2) suggests that this variant is likely to be disruptive. In summary, the available evidence is currently insufficient to determine the role of this variant in disease. Therefore, it has been classified as a Variant of Uncertain Significance.

NM_002528.7(NTHL1):c.584A>G (p.Asp195Gly)

Gene: NTHL1 (nth like DNA glycosylase 1; minus strand). Cytogenetic location: 16p13.3.
Variant type: single nucleotide variant.
Coding change: c.584A>G on transcript NM_002528.7 (MANE Select); coding-DNA position 584, A replaced by G.
Protein change: p.Asp195Gly; replaces aspartic acid 195 with glycine.
Molecular consequence: missense variant.
Genome position (GRCh38, 1-based): chr16:2,043,668, T>C on the plus strand (A>G on the coding strand, the complement: NTHL1 is on the minus strand). VCF-style: chr16-2043668-T-C. GRCh37 (hg19) VCF-style: chr16-2093669-T-C.
Other names: c.413A>G, p.Asp138Gly (NM_001318193.2); c.254A>G, p.Asp85Gly (NM_001318194.2); short protein forms D138G, D85G, D195G.
Identifiers: ClinVar variation 3656413 (VCV003656413.2).
Genomic context (GRCh38, chr16:2,043,668, plus strand): 5'-TGTGCCATCTTGGGCCCAACACCCGGCAGCGCCACCAGCTCGGCCACAGAGGCTGGGATG[T>C]CCCCACCGTAGTGCTGCTGCAGGATGGCGCTGGTCTGCTTGATGTATTTCACCTTGCTCT-3'
Protein context (NP_002519.2, residues 185-205): SAILQQHYGG[Asp195Gly]IPASVAELVA